The following is an entry in ClinVar:

NM_000334.4(SCN4A):c.2448T>C (p.Asp816=)

Genes: GH-LCR (growth hormone locus control region; plus strand), SCN4A (sodium voltage-gated channel alpha subunit 4; minus strand). Cytogenetic location: 17q23.3.
Variant type: single nucleotide variant.
Coding change: c.2448T>C on transcript NM_000334.4 (MANE Select); coding-DNA position 2448, T replaced by C.
Protein change: p.Asp816=; no amino-acid change (aspartic acid 816 retained).
Molecular consequence: synonymous variant.
Genome position (GRCh38, 1-based): chr17:63,951,829, A>G on the plus strand (T>C on the coding strand, the complement: SCN4A is on the minus strand). VCF-style: chr17-63951829-A-G. GRCh37 (hg19) VCF-style: chr17-62029189-A-G.
Identifiers: ClinVar variation 518201 (VCV000518201.15), dbSNP rs150307926, ClinGen allele CA8709580.

ClinVar aggregate classification (germline): Likely benign. Review status: criteria provided, multiple submitters, no conflicts (2 of 4 stars). 5 submissions from 5 submitters: Likely benign (5). Last evaluated 2026-05-06.

Conditions:
Paramyotonia congenita of Von Eulenburg. Also called: PARALYSIS PERIODICA PARAMYOTONICA; Paramyotonia Congenita; Eulenburg disease; Myotonia congenita intermittens; Von Eulenburg paramyotonia congenita. Identifiers: Orphanet 684, MedGen C0221055, MONDO:0008195, OMIM 168300. Disease mechanism: loss of function.
Hypokalemic periodic paralysis, type 2 (HOKPP2). Identifiers: Orphanet 681, MedGen C2750061, MONDO:0013234, OMIM 613345.
Hypokalemic periodic paralysis, type 1. Also called: Hypokalemic Periodic Paralysis Type 1 (AD); HypoPP. Identifiers: Orphanet 681, MedGen C3714580, MONDO:0042979, OMIM 170400.
Potassium-aggravated myotonia. Also called: MYOTONIA CONGENITA, ACETAZOLAMIDE-RESPONSIVE; MYOTONIA CONGENITA, ATYPICAL; Myotonia congenita, atypical, acetazolamide-responsive; SODIUM CHANNEL MUSCLE DISEASE. Identifiers: Orphanet 612, Orphanet 99734, Orphanet 99735, Orphanet 99736, MedGen C2931826, MONDO:0018959, OMIM 608390.
Congenital myasthenic syndrome 16. Identifiers: Orphanet 590, MedGen C3280112, MONDO:0013620, OMIM 614198.
Hyperkalemic periodic paralysis. Also called: Familial hyperkalemic periodic paralysis; Gamstorp disease. Identifiers: Orphanet 682, MedGen C0238357, MONDO:0008224, OMIM 170500, HP:0007215.
SCN4A-related disorder. Also called: SCN4A-related disorders.

Allele frequency attached by ClinVar (database versions not stated): ESP Exome Variant Server 0.00008; 1000 Genomes Project 30x 0.00031; TOPMed 0.00007; 1000 Genomes Project 0.00040; gnomAD 0.00006; ExAC 0.00026; gnomAD exomes 0.00008.
gnomAD v4.1: 79 of 1,576,068 alleles (0.005%); highest among the groups gnomAD compares: Middle Eastern, 0.066%; no homozygotes.

Submissions (5):

PreventionGenetics, part of Exact Sciences
Classification: Likely benign for SCN4A-related condition. Last evaluated: 2026-05-06. Review status: criteria provided, single submitter. Criteria: ACMG Guidelines, 2015. Collection method: clinical testing. Allele origin: germline.
Comment: This variant is classified as likely benign based on ACMG/AMP sequence variant interpretation guidelines (Richards et al. 2015 PMID: 25741868, with internal and published modifications).

Labcorp Genetics (formerly Invitae), Labcorp
Classification: Likely benign for Hyperkalemic periodic paralysis. Last evaluated: 2026-01-27. Review status: criteria provided, single submitter. Criteria: Invitae Variant Classification Sherloc (09022015). Collection method: clinical testing. Allele origin: germline.

Women's Health and Genetics/Laboratory Corporation of America, LabCorp
Classification: Likely benign. Last evaluated: 2025-12-04. Review status: criteria provided, single submitter. Criteria: LabCorp Variant Classification Summary - May 2015. Collection method: clinical testing. Allele origin: germline.

Fulgent Genetics
Classification: Likely benign for Paramyotonia congenita of Von Eulenburg; Hypokalemic periodic paralysis, type 1; Hyperkalemic periodic paralysis; Potassium-aggravated myotonia; Hypokalemic periodic paralysis, type 2; Congenital myasthenic syndrome 16. Last evaluated: 2022-02-10. Review status: criteria provided, single submitter. Criteria: ACMG Guidelines, 2015. Collection method: clinical testing. Allele origin: unknown.

GeneDx
Classification: Likely benign. Last evaluated: 2019-08-08. Review status: criteria provided, single submitter. Criteria: GeneDx Variant Classification Process June 2021. Collection method: clinical testing. Allele origin: germline. Affected: yes.